The following is an entry in ClinVar:

ClinVar aggregate classification (germline): Benign (0 of 4 stars; one submission).

Conditions:
TIAM1-related disorder. Also called: TIAM1-related condition.

Allele frequency attached by ClinVar (database versions not stated): 1000 Genomes Project 30x 0.00578; 1000 Genomes Project 0.00619; TOPMed 0.01212; ESP Exome Variant Server 0.01607; ExAC 0.01738.
gnomAD v4.1: 30,875 of 1,613,688 alleles (1.9%); highest among the groups gnomAD compares: Non-Finnish European, 2.2%; 390 homozygotes.

Submission:

PreventionGenetics, part of Exact Sciences
Classification: Benign for TIAM1-related condition. Last evaluated: 2024-07-09. Review status: no assertion criteria provided. Collection method: clinical testing. Allele origin: germline.
Comment: This variant is classified as benign based on ACMG/AMP sequence variant interpretation guidelines (Richards et al. 2015 PMID: 25741868, with internal and published modifications).

NM_001353694.2(TIAM1):c.3068A>T (p.Asp1023Val)

Gene: TIAM1 (TIAM Rac1 associated GEF 1; minus strand). Cytogenetic location: 21q22.11.
Variant type: single nucleotide variant.
Coding change: c.3068A>T on transcript NM_001353694.2 (MANE Select); coding-DNA position 3068, A replaced by T.
Protein change: p.Asp1023Val; replaces aspartic acid 1023 with valine.
Molecular consequence: missense variant.
Genome position (GRCh38, 1-based): chr21:31,154,350, T>A on the plus strand (A>T on the coding strand, the complement: TIAM1 is on the minus strand). VCF-style: chr21-31154350-T-A. GRCh37 (hg19) VCF-style: chr21-32526668-T-A.
Other names: c.167A>T, p.Asp56Val (NM_001353684.2); c.92A>T, p.Asp31Val (NM_001353685.2); c.2993A>T, p.Asp998Val (NM_001353686.2, NM_001353687.2); c.3068A>T, p.Asp1023Val (NM_001353688.1, NM_001353689.1, NM_001353690.1 and 4 more transcripts); short protein forms D1023V, D31V, D56V, D998V.
Identifiers: ClinVar variation 3038397 (VCV003038397.2), dbSNP rs75483199, ClinGen allele CA9997937.